The following is an entry in ClinVar:

ClinVar aggregate classification (germline): Likely benign. Review status: criteria provided, multiple submitters, no conflicts (2 of 4 stars). 2 submissions from 2 submitters: Likely benign (2). Last evaluated 2025-12-30.

Conditions:
COG4-congenital disorder of glycosylation. Also called: CONGENITAL DISORDER OF GLYCOSYLATION, TYPE IIj; CDG IIj; COG4-CDG. Identifiers: Orphanet 263501, MedGen C4303552, MONDO:0013281, OMIM 613489.

Allele frequency attached by ClinVar (database versions not stated): gnomAD 0.00003; gnomAD exomes 0.00004 and 0.00017; ExAC 0.00007; TOPMed 0.00008; 1000 Genomes Project 0.00020; 1000 Genomes Project 30x 0.00031.
gnomAD v4.1: 58 of 1,444,778 alleles (0.004%); highest among the groups gnomAD compares: Admixed American, 0.08%; 1 homozygote.

Submissions (2):

Labcorp Genetics (formerly Invitae), Labcorp
Classification: Likely benign for COG4-congenital disorder of glycosylation. Last evaluated: 2025-12-30. Review status: criteria provided, single submitter. Criteria: Invitae Variant Classification Sherloc (09022015). Collection method: clinical testing. Allele origin: germline.

GeneDx
Classification: Likely benign. Last evaluated: 2018-06-15. Review status: criteria provided, single submitter. Criteria: GeneDx Variant Classification (06012015). Collection method: clinical testing. Allele origin: germline. Affected: yes.
Comment: This variant is considered likely benign or benign based on one or more of the following criteria: it is a conservative change, it occurs at a poorly conserved position in the protein, it is predicted to be benign by multiple in silico algorithms, and/or has population frequency not consistent with disease.

NM_015386.3(COG4):c.1314+14C>T

Gene: COG4 (component of oligomeric golgi complex 4; minus strand). Cytogenetic location: 16q22.1.
Variant type: single nucleotide variant.
Coding change: c.1314+14C>T on transcript NM_015386.3 (MANE Select); 14 bases into the intron after coding-DNA position 1314, C replaced by T.
Molecular consequence: intron variant.
Genome position (GRCh38, 1-based): chr16:70,497,923, G>A on the plus strand (C>T on the coding strand, the complement: COG4 is on the minus strand). VCF-style: chr16-70497923-G-A. GRCh37 (hg19) VCF-style: chr16-70531826-G-A.
Other names: c.1302+14C>T (NM_001195139.2); c.888+14C>T (NM_001365426.1).
Identifiers: ClinVar variation 668662 (VCV000668662.6), dbSNP rs189538469, ClinGen allele CA8144370.